The following is an entry in ClinVar:

NM_001278512.2(AP3B2):c.2349C>T (p.Ser783=)

Genes: AP3B2 (adaptor related protein complex 3 subunit beta 2; minus strand), CPEB1-AS1 (CPEB1 antisense RNA 1; plus strand). Cytogenetic location: 15q25.2.
Variant type: single nucleotide variant.
Coding change: c.2349C>T on transcript NM_001278512.2 (MANE Select); coding-DNA position 2349, C replaced by T.
Protein change: p.Ser783=; no amino-acid change (serine 783 retained).
Molecular consequence: synonymous variant.
Genome position (GRCh38, 1-based): chr15:82,663,888, G>A on the plus strand (C>T on the coding strand, the complement: AP3B2 is on the minus strand). VCF-style: chr15-82663888-G-A. GRCh37 (hg19) VCF-style: chr15-83332640-G-A.
Other names: c.2196C>T, p.Ser732= (NM_001278511.2); c.2292C>T, p.Ser764= (NM_004644.5).
Identifiers: ClinVar variation 733385 (VCV000733385.37), dbSNP rs143109436, ClinGen allele CA7699944.

ClinVar aggregate classification (germline): Likely benign. Review status: criteria provided, multiple submitters, no conflicts (2 of 4 stars). 6 submissions from 6 submitters: Likely benign (4). 2 of the submissions do not count toward it. Last evaluated 2026-02-02.

Conditions:
Developmental and epileptic encephalopathy, 48 (DEE48). Also called: Epileptic encephalopathy, early infantile, 48. Identifiers: MedGen C4310637, MONDO:0015000, OMIM 617276.

Allele frequency attached by ClinVar (database versions not stated): ESP Exome Variant Server 0.00032; ExAC 0.00051; gnomAD exomes 0.00059 and 0.00103; gnomAD 0.00067 and 0.00069; TOPMed 0.00076; 1000 Genomes Project 30x 0.00078; 1000 Genomes Project 0.00080.
gnomAD v4.1: 1,607 of 1,613,588 alleles (0.1%); highest among the groups gnomAD compares: Non-Finnish European, 0.12%; no homozygotes.

Submissions (6):

Labcorp Genetics (formerly Invitae), Labcorp
Classification: Likely benign. Last evaluated: 2026-02-02. Review status: criteria provided, single submitter. Criteria: Invitae Variant Classification Sherloc (09022015). Collection method: clinical testing. Allele origin: germline.

CeGaT Center for Human Genetics Tuebingen
Classification: Likely benign. Last evaluated: 2026-01-01. Review status: criteria provided, single submitter. Criteria: CeGaT Center For Human Genetics Tuebingen Variant Classification Criteria Version 2. Collection method: clinical testing. Allele origin: germline. Affected: yes. Observed: 5 variant alleles.
Comment: AP3B2: BP4, BP7

ARUP Laboratories, Molecular Genetics and Genomics, ARUP Laboratories
Classification: Likely benign for Developmental and epileptic encephalopathy, 48. Last evaluated: 2025-03-06. Review status: criteria provided, single submitter. Criteria: ARUP Molecular Germline Variant Investigation Process 2024. Collection method: clinical testing. Allele origin: germline.

Blueprint Genetics
Classification: Likely benign. Last evaluated: 2024-11-27. Review status: criteria provided, single submitter. Criteria: ACMG Guidelines, 2015. Collection method: clinical testing. Allele origin: germline.

Clinical Genetics DNA and cytogenetics Diagnostics Lab, Erasmus MC, Erasmus Medical Center
Classification: Likely benign. Review status: no assertion criteria provided. Collection method: clinical testing. Allele origin: germline. Affected: yes. Study: VKGL Data-share Consensus. Not counted in ClinVar's aggregate classification.

Genome Diagnostics Laboratory, University Medical Center Utrecht
Classification: Likely benign. Review status: no assertion criteria provided. Collection method: clinical testing. Allele origin: germline. Affected: yes. Study: VKGL Data-share Consensus. Not counted in ClinVar's aggregate classification.